The following is an entry in ClinVar:

ClinVar aggregate classification (germline): Likely benign. Review status: criteria provided, multiple submitters, no conflicts (2 of 4 stars). 2 submissions from 2 submitters: Likely benign (2). Last evaluated 2023-12-27.

Allele frequency attached by ClinVar (database versions not stated): gnomAD exomes below 0.00001 and 0.00001; ExAC 0.00001; TOPMed 0.00001.
gnomAD v4.1: 9 of 1,613,084 alleles (0.00056%); highest among the groups gnomAD compares: South Asian, 0.0011%; no homozygotes.

Submissions (2):

Blueprint Genetics
Classification: Likely benign. Last evaluated: 2023-12-27. Review status: criteria provided, single submitter. Criteria: ACMG Guidelines, 2015. Collection method: clinical testing. Allele origin: germline.

GeneDx
Classification: Likely benign. Last evaluated: 2018-02-26. Review status: criteria provided, single submitter. Criteria: GeneDx Variant Classification (06012015). Collection method: clinical testing. Allele origin: germline. Affected: yes.
Comment: This variant is considered likely benign or benign based on one or more of the following criteria: it is a conservative change, it occurs at a poorly conserved position in the protein, it is predicted to be benign by multiple in silico algorithms, and/or has population frequency not consistent with disease.

NM_001267550.2(TTN):c.42365A>G (p.Tyr14122Cys)

Gene: TTN (titin; minus strand). Cytogenetic location: 2q31.2.
Variant type: single nucleotide variant.
Coding change: c.42365A>G on transcript NM_001267550.2 (MANE Select); coding-DNA position 42365, A replaced by G.
Protein change: p.Tyr14122Cys; replaces tyrosine 14122 with cysteine.
Molecular consequence: missense variant.
Genome position (GRCh38, 1-based): chr2:178,634,416, T>C on the plus strand (A>G on the coding strand, the complement: TTN is on the minus strand). VCF-style: chr2-178634416-T-C. GRCh37 (hg19) VCF-style: chr2-179499143-T-C.
Other names: c.37442A>G, p.Tyr12481Cys (NM_001256850.1); c.15170A>G, p.Tyr5057Cys (NM_003319.4); c.34661A>G, p.Tyr11554Cys (NM_133378.4); c.15545A>G, p.Tyr5182Cys (NM_133432.3); c.15746A>G, p.Tyr5249Cys (NM_133437.4); short protein forms Y12481C, Y14122C, Y11554C, Y5182C, Y5249C, Y5057C.
Identifiers: ClinVar variation 515842 (VCV000515842.2), dbSNP rs756627487, ClinGen allele CA1996097.